The following is an entry in ClinVar:

NM_000384.3(APOB):c.1843G>A (p.Val615Met)

Gene: APOB (apolipoprotein B; minus strand). Cytogenetic location: 2p24.1.
Variant type: single nucleotide variant.
Coding change: c.1843G>A on transcript NM_000384.3 (MANE Select); coding-DNA position 1843, G replaced by A.
Protein change: p.Val615Met; replaces valine 615 with methionine.
Molecular consequence: missense variant.
Genome position (GRCh38, 1-based): chr2:21,028,052, C>T on the plus strand (G>A on the coding strand, the complement: APOB is on the minus strand). VCF-style: chr2-21028052-C-T. GRCh37 (hg19) VCF-style: chr2-21250924-C-T.
Other names: c.1843G>A (NM_000384.2); short protein forms V615M.
Identifiers: ClinVar variation 1950552 (VCV001950552.6), dbSNP rs776046125, ClinGen allele CA43523897.

ClinVar aggregate classification (germline): Uncertain significance. Review status: criteria provided, multiple submitters, no conflicts (2 of 4 stars). 3 submissions from 3 submitters: Uncertain significance (3). Last evaluated 2025-04-09.

Conditions:
Familial hypobetalipoproteinemia 1. Also called: Hypobetalipoproteinemia, normotriglyceridemic; Acanthocytosis with hypobetalipoproteinemia; APOB-Related Familial Hypobetalipoproteinemia. Identifiers: MedGen C4551990, MONDO:0014252, OMIM 615558.
Hypercholesterolemia, autosomal dominant, type B (FHCL2). Also called: APOB-Related Familial Hypercholesterolemia, Autosomal Dominant; Familial Hypercholesterolemia Type B; APOLIPOPROTEIN B-100, FAMILIAL DEFECTIVE; APOLIPOPROTEIN B-100, FAMILIAL LIGAND-DEFECTIVE; HYPERCHOLESTEROLEMIA, FAMILIAL, DUE TO LIGAND-DEFECTIVE APOLIPOPROTEIN B; Familial hypercholesterolemia 2. Identifiers: MedGen C1704417, MONDO:0007751, OMIM 144010.
Cardiovascular phenotype. Identifiers: MedGen CN230736.

Allele frequency attached by ClinVar (database versions not stated): gnomAD 0.00001; TOPMed 0.00001.
gnomAD v4.1: 79 of 1,608,382 alleles (0.0049%); highest among the groups gnomAD compares: Non-Finnish European, 0.0065%; no homozygotes.

Submissions (3):

Molecular Diagnostic Laboratory for Inherited Cardiovascular Disease, Montreal Heart Institute
Classification: Uncertain significance for Cardiovascular phenotype. Last evaluated: 2025-04-09. Review status: criteria provided, single submitter. Criteria: ACMG Guidelines, 2015. Collection method: clinical testing. Allele origin: germline. Affected: yes.

Labcorp Genetics (formerly Invitae), Labcorp
Classification: Uncertain significance for Familial hypobetalipoproteinemia 1; Hypercholesterolemia, autosomal dominant, type B. Last evaluated: 2023-10-10. Review status: criteria provided, single submitter. Criteria: Invitae Variant Classification Sherloc (09022015). Collection method: clinical testing. Allele origin: germline.
Comment: This sequence change replaces valine, which is neutral and non-polar, with methionine, which is neutral and non-polar, at codon 615 of the APOB protein (p.Val615Met). This variant is not present in population databases (gnomAD no frequency). This variant has not been reported in the literature in individuals affected with APOB-related conditions. ClinVar contains an entry for this variant (Variation ID: 1950552). Advanced modeling of protein sequence and biophysical properties (such as structural, functional, and spatial information, amino acid conservation, physicochemical variation, residue mobility, and thermodynamic stability) performed at Invitae indicates that this missense variant is not expected to disrupt APOB protein function. In summary, the available evidence is currently insufficient to determine the role of this variant in disease. Therefore, it has been classified as a Variant of Uncertain Significance.

Ambry Genetics
Classification: Uncertain significance for Cardiovascular phenotype. Last evaluated: 2023-09-23. Review status: criteria provided, single submitter. Criteria: Ambry Variant Classification Scheme 2023. Collection method: clinical testing. Allele origin: germline.
Comment: The p.V615M variant (also known as c.1843G>A), located in coding exon 14 of the APOB gene, results from a G to A substitution at nucleotide position 1843. The valine at codon 615 is replaced by methionine, an amino acid with highly similar properties. This amino acid position is conserved. In addition, this alteration is predicted to be tolerated by in silico analysis. Since supporting evidence is limited at this time, the clinical significance of this alteration remains unclear.